The following is an entry in ClinVar:

ClinVar aggregate classification (germline): Likely benign (0 of 4 stars; one submission).

Conditions:
PKD1-related disorder. Also called: PKD1-related condition.

Allele frequency attached by ClinVar (database versions not stated): TOPMed below 0.00001; ExAC 0.00014.
gnomAD v4.1: 72 of 1,596,810 alleles (0.0045%); highest among the groups gnomAD compares: South Asian, 0.07%; 3 homozygotes.

Submission:

PreventionGenetics, part of Exact Sciences
Classification: Likely benign for PKD1-related condition. Last evaluated: 2023-07-03. Review status: no assertion criteria provided. Collection method: clinical testing. Allele origin: germline.
Comment: This variant is classified as likely benign based on ACMG/AMP sequence variant interpretation guidelines (Richards et al. 2015 PMID: 25741868, with internal and published modifications).

NM_001009944.3(PKD1):c.7335C>T (p.Thr2445=)

Gene: PKD1 (polycystin 1, transient receptor potential channel interacting; minus strand). Cytogenetic location: 16p13.3.
Variant type: single nucleotide variant.
Coding change: c.7335C>T on transcript NM_001009944.3 (MANE Select); coding-DNA position 7335, C replaced by T.
Protein change: p.Thr2445=; no amino-acid change (threonine 2445 retained).
Molecular consequence: synonymous variant.
Genome position (GRCh38, 1-based): chr16:2,106,552, G>A on the plus strand (C>T on the coding strand, the complement: PKD1 is on the minus strand). VCF-style: chr16-2106552-G-A. GRCh37 (hg19) VCF-style: chr16-2156553-G-A.
Other names: c.7335C>T, p.Thr2445= (NM_000296.4).
Identifiers: ClinVar variation 3032740 (VCV003032740.2), dbSNP rs555853583, ClinGen allele CA7831175.